The following is an entry in ClinVar:

NM_003458.4(BSN):c.7743C>T (p.Ala2581=)

Gene: BSN (bassoon presynaptic cytomatrix protein; plus strand). Cytogenetic location: 3p21.31.
Variant type: single nucleotide variant.
Coding change: c.7743C>T on transcript NM_003458.4 (MANE Select); coding-DNA position 7743, C replaced by T.
Protein change: p.Ala2581=; no amino-acid change (alanine 2581 retained).
Molecular consequence: synonymous variant.
Genome position (GRCh38, 1-based): chr3:49,657,299, C>T. VCF-style: chr3-49657299-C-T. GRCh37 (hg19) VCF-style: chr3-49694732-C-T.
Identifiers: ClinVar variation 3057396 (VCV003057396.2), dbSNP rs142698709, ClinGen allele CA2400726.
Genomic context (GRCh38, chr3:49,657,299, plus strand): 5'-CCTGCGGGATGCCTGTGAGCTAGAGTCTGGGACTGAGCCCTGTGTGGTCAGGAGGATTGC[C>T]GACAGCAGCGTGCAGACAGACGATGAGGATGGGGAGAGCCGCTACCTCTTGAGTCGGCGA-3'
Protein context (NP_003449.2, residues 2571-2591): GTEPCVVRRI[Ala2581=]DSSVQTDDED

ClinVar aggregate classification (germline): Likely benign (0 of 4 stars; one submission).

Conditions:
BSN-related disorder. Also called: BSN-related condition.

Allele frequency attached by ClinVar (database versions not stated): ExAC 0.00007; gnomAD 0.00011; TOPMed 0.00014; 1000 Genomes Project 0.00020; ESP Exome Variant Server 0.00023; 1000 Genomes Project 30x 0.00031.
gnomAD v4.1: 35 of 1,613,342 alleles (0.0022%); highest among the groups gnomAD compares: African/African-American, 0.04%; no homozygotes.

Submission:

PreventionGenetics, part of Exact Sciences
Classification: Likely benign for BSN-related condition. Last evaluated: 2019-03-22. Review status: no assertion criteria provided. Collection method: clinical testing. Allele origin: germline.
Comment: This variant is classified as likely benign based on ACMG/AMP sequence variant interpretation guidelines (Richards et al. 2015 PMID: 25741868, with internal and published modifications).